The following is an entry in ClinVar:

NM_147127.5(EVC2):c.1332del (p.Glu445fs)

Genes: EVC2 (EvC ciliary complex subunit 2; minus strand), LOC126806961 (BRD4-independent group 4 enhancer GRCh37_chr4:5641443-5642642; plus strand). Cytogenetic location: 4p16.2.
Variant type: Deletion.
Coding change: c.1332del on transcript NM_147127.5 (MANE Select); coding-DNA position 1332, one base deleted (A; older notation c.1332delA).
Protein change: p.Glu445fs; shifts the reading frame from glutamic acid 445.
Molecular consequence: frameshift variant.
Genome position (GRCh38, 1-based): chr4:5,640,652, T deleted on the plus strand (A on the coding strand, the reverse complement: EVC2 is on the minus strand); the first of 2 consecutive T bases (chr4:5,640,652-5,640,653); deleting either gives the same sequence. VCF-style (leftmost placement, unchanged base first): chr4-5640651-CT-C. GRCh37 (hg19) VCF-style: chr4-5642378-CT-C.
Other names: c.1092del, p.Glu365fs (NM_001166136.2); short protein forms E365fs, E445fs.
Identifiers: ClinVar variation 2952345 (VCV002952345.3), dbSNP rs2475438095, ClinGen allele CA2740091083.

ClinVar aggregate classification (germline): Pathogenic (1 of 4 stars; one submission).

Conditions:
Ellis-van Creveld syndrome (EVC). Also called: EVC-Related Ellis-van Creveld Syndrome; EVC2-Related Ellis-van Creveld Syndrome; MESOECTODERMAL DYSPLASIA; Chondroectodermal dysplasia. Identifiers: Orphanet 289, MedGen C0013903, MONDO:0009162, OMIM 225500.
Curry-Hall syndrome (WAD). Also called: WEYERS ACRODENTAL DYSOSTOSIS. Identifiers: Orphanet 952, MedGen C0457013, MONDO:0008673, OMIM 193530.

Submission:

Labcorp Genetics (formerly Invitae), Labcorp
Classification: Pathogenic for Curry-Hall syndrome; Ellis-van Creveld syndrome. Last evaluated: 2023-09-28. Review status: criteria provided, single submitter. Criteria: Invitae Variant Classification Sherloc (09022015). Collection method: clinical testing. Allele origin: germline.
Comment: This sequence change creates a premature translational stop signal (p.Glu445Argfs*10) in the EVC2 gene. It is expected to result in an absent or disrupted protein product. Loss-of-function variants in EVC2 are known to be pathogenic (PMID: 17024374, 19810119, 19876929). This variant is not present in population databases (gnomAD no frequency). This variant has not been reported in the literature in individuals affected with EVC2-related conditions. For these reasons, this variant has been classified as Pathogenic.

Literature cited by the submitters: PubMed 17024374; PubMed 19810119; PubMed 19876929.